The following is an entry in ClinVar:

NM_001367805.3(KIF23):c.1597+1G>A

Gene: KIF23 (kinesin family member 23; plus strand). Cytogenetic location: 15q23.
Variant type: single nucleotide variant.
Coding change: c.1597+1G>A on transcript NM_001367805.3 (MANE Select); the canonical splice donor site of the intron after coding-DNA position 1597, G replaced by A.
Molecular consequence: splice donor variant.
Genome position (GRCh38, 1-based): chr15:69,436,723, G>A. VCF-style: chr15-69436723-G-A. GRCh37 (hg19) VCF-style: chr15-69729062-G-A.
Other names: c.1555+1G>A (NM_138555.4, NM_001367804.2, NM_004856.7); c.1225+1G>A (NM_001281301.2).
Identifiers: ClinVar variation 4722583 (VCV004722583.1).

ClinVar aggregate classification (germline): Uncertain significance (1 of 4 stars; one submission).

Submission:

Labcorp Genetics (formerly Invitae), Labcorp
Classification: Uncertain significance. Last evaluated: 2025-07-03. Review status: criteria provided, single submitter. Criteria: Invitae Variant Classification Sherloc (09022015). Collection method: clinical testing. Allele origin: germline.
Comment: This sequence change affects a donor splice site in intron 14 of the KIF23 gene. It is expected to disrupt RNA splicing. Variants that disrupt the donor or acceptor splice site typically lead to a loss of protein function (PMID: 16199547), however the current clinical and genetic evidence is not sufficient to establish whether loss-of-function variants in KIF23 cause disease. This variant is not present in population databases (gnomAD no frequency). This variant has not been reported in the literature in individuals affected with KIF23-related conditions. Experimental studies and prediction algorithms are not available or were not evaluated, and the functional significance of this variant is currently unknown. Algorithms developed to predict the effect of sequence changes on RNA splicing suggest that this variant may disrupt the consensus splice site. In summary, the available evidence is currently insufficient to determine the role of this variant in disease. Therefore, it has been classified as a Variant of Uncertain Significance.

Literature cited by the submitters: PubMed 16199547.